The following is an entry in ClinVar:

ClinVar aggregate classification (germline): Uncertain significance (1 of 4 stars; one submission).

Allele frequency attached by ClinVar (database versions not stated): gnomAD exomes 0.00001; TOPMed 0.00002; gnomAD 0.00003.
gnomAD v4.1: 28 of 1,614,076 alleles (0.0017%); highest among the groups gnomAD compares: African/African-American, 0.004%; no homozygotes.

Submission:

Labcorp Genetics (formerly Invitae), Labcorp
Classification: Uncertain significance. Last evaluated: 2024-10-21. Review status: criteria provided, single submitter. Criteria: Invitae Variant Classification Sherloc (09022015). Collection method: clinical testing. Allele origin: germline.
Comment: This sequence change replaces proline, which is neutral and non-polar, with serine, which is neutral and polar, at codon 2001 of the SRCAP protein (p.Pro2001Ser). This variant is not present in population databases (gnomAD no frequency). This variant has not been reported in the literature in individuals affected with SRCAP-related conditions. ClinVar contains an entry for this variant (Variation ID: 1476806). Invitae Evidence Modeling of protein sequence and biophysical properties (such as structural, functional, and spatial information, amino acid conservation, physicochemical variation, residue mobility, and thermodynamic stability) indicates that this missense variant is not expected to disrupt SRCAP protein function with a negative predictive value of 80%. In summary, the available evidence is currently insufficient to determine the role of this variant in disease. Therefore, it has been classified as a Variant of Uncertain Significance.

NM_006662.3(SRCAP):c.6001C>T (p.Pro2001Ser)

Gene: SRCAP (Snf2 related CREBBP activator protein; plus strand). Cytogenetic location: 16p11.2.
Variant type: single nucleotide variant.
Coding change: c.6001C>T on transcript NM_006662.3 (MANE Select); coding-DNA position 6001, C replaced by T.
Protein change: p.Pro2001Ser; replaces proline 2001 with serine.
Molecular consequence: missense variant.
Genome position (GRCh38, 1-based): chr16:30,729,446, C>T. VCF-style: chr16-30729446-C-T. GRCh37 (hg19) VCF-style: chr16-30740767-C-T.
Other names: short protein forms P2001S.
Identifiers: ClinVar variation 1476806 (VCV001476806.6), dbSNP rs1228499305, ClinGen allele CA395622107.